The following is an entry in ClinVar:

NM_001005498.4(RHBDF2):c.*198G>A

Gene: RHBDF2 (rhomboid 5 homolog 2; minus strand). Cytogenetic location: 17q25.1.
Variant type: single nucleotide variant.
Coding change: c.*198G>A on transcript NM_001005498.4 (MANE Select); 198 bases downstream of the stop codon, G replaced by A.
Molecular consequence: 3 prime UTR variant. On other transcripts: non-coding transcript variant (3).
Genome position (GRCh38, 1-based): chr17:76,471,435, C>T on the plus strand (G>A on the coding strand, the complement: RHBDF2 is on the minus strand). VCF-style: chr17-76471435-C-T. GRCh37 (hg19) VCF-style: chr17-74467517-C-T.
Other names: c.*198G>A (NM_001376228.1, NM_001376229.1, NM_001376230.1 and 1 more transcripts).
Identifiers: ClinVar variation 325414 (VCV000325414.5), dbSNP rs59252239, ClinGen allele CA10646897.

ClinVar aggregate classification (germline): Benign (1 of 4 stars; one submission).

Conditions:
Palmoplantar keratoderma-esophageal carcinoma syndrome (TOC). Also called: KERATOSIS PALMARIS ET PLANTARIS WITH ESOPHAGEAL CANCER; PALMOPLANTAR KERATODERMA WITH ESOPHAGEAL CANCER; Tylosis with Esophageal Cancer. Identifiers: Orphanet 2198, MedGen C1835664, MONDO:0007856, OMIM 148500.

Allele frequency attached by ClinVar (database versions not stated): gnomAD exomes 0.00135; gnomAD 0.01195; 1000 Genomes Project 0.01378; TOPMed 0.01303; 1000 Genomes Project 30x 0.01530.
gnomAD v4.1: 2,352 of 606,794 alleles (0.39%); highest among the groups gnomAD compares: African/African-American, 3.9%; 43 homozygotes.

Submission:

Illumina Laboratory Services, Illumina
Classification: Benign for Palmoplantar keratoderma-esophageal carcinoma syndrome. Last evaluated: 2018-01-12. Review status: criteria provided, single submitter. Criteria: ICSL Variant Classification Criteria 13 December 2019. Collection method: clinical testing. Allele origin: germline.
Comment: This variant was observed in the ICSL laboratory as part of a predisposition screen in an ostensibly healthy population. It had not been previously curated by ICSL or reported in the Human Gene Mutation Database (HGMD: prior to June 1st, 2018), and was therefore a candidate for classification through an automated scoring system. Utilizing variant allele frequency, disease prevalence and penetrance estimates, and inheritance mode, an automated score was calculated to assess if this variant is too frequent to cause the disease. Based on the score and internal cut-off values, a variant classified as benign is not then subjected to further curation. The score for this variant resulted in a classification of benign for this disease.